The following is an entry in ClinVar:

NM_177438.3(DICER1):c.256_257del (p.Arg86fs)

Gene: DICER1 (dicer 1, ribonuclease III; minus strand). Cytogenetic location: 14q32.13.
Variant type: Deletion.
Coding change: c.256_257del on transcript NM_177438.3 (MANE Select); coding-DNA positions 256 to 257, 2 bases deleted (AG; older notation c.256_257delAG).
Protein change: p.Arg86fs; shifts the reading frame from arginine 86.
Molecular consequence: frameshift variant.
Genome position (GRCh38, 1-based): chr14:95,132,565-95,132,566, CT deleted on the plus strand (AG on the coding strand, the reverse complement: DICER1 is on the minus strand). VCF-style (leftmost placement, unchanged base first): chr14-95132564-CCT-C. GRCh37 (hg19) VCF-style: chr14-95598901-CCT-C.
Other names: c.256_257del, p.Arg86fs (NM_001195573.1, NM_001271282.3, NM_001291628.2 and 1 more transcripts); short protein forms R86fs.
Identifiers: ClinVar variation 821478 (VCV000821478.6), dbSNP rs1595466068, ClinGen allele CA915946430.

ClinVar aggregate classification (germline): Pathogenic. Review status: criteria provided, multiple submitters, no conflicts (2 of 4 stars). 2 submissions from 2 submitters: Pathogenic (2). Last evaluated 2026-09-08.

Conditions:
DICER1-related tumor predisposition. Also called: DICER1 syndrome; DICER1-related pleuropulmonary blastoma cancer predisposition syndrome. Identifiers: Orphanet 284343, MedGen C3839822, MONDO:0100216.
Hereditary cancer-predisposing syndrome. Also called: Hereditary neoplastic syndrome; Neoplastic Syndromes, Hereditary; Tumor predisposition; Hereditary Cancer Syndrome. Identifiers: Orphanet 140162, MedGen C0027672, MeSH D009386, MONDO:0015356.

Submissions (2):

Myriad Genetics, Inc.
Classification: Pathogenic for DICER1-related tumor predisposition. Last evaluated: 2026-09-08. Review status: criteria provided, single submitter. Criteria: Myriad Autosomal Dominant, Autosomal Recessive and X-Linked Classification Criteria (2023). Collection method: clinical testing. Allele origin: unknown.
Comment: This variant is considered pathogenic. This variant creates a frameshift predicted to result in premature protein truncation.

Ambry Genetics
Classification: Pathogenic for Hereditary cancer-predisposing syndrome. Last evaluated: 2026-02-20. Review status: criteria provided, single submitter. Criteria: Ambry Variant Classification Scheme 2023. Collection method: clinical testing. Allele origin: germline.
Comment: The c.256_257delAG pathogenic mutation, located in coding exon 2 of the DICER1 gene, results from a deletion of two nucleotides at nucleotide positions 256 to 257, causing a translational frameshift with a predicted alternate stop codon (p.R86Gfs*58). This variant is considered to be rare based on population cohorts in the Genome Aggregation Database (gnomAD). This alteration is expected to result in loss of function by premature protein truncation or nonsense-mediated mRNA decay. As such, this alteration is interpreted as a disease-causing mutation.